The following is an entry in ClinVar:

NM_139057.4(ADAMTS17):c.2471T>C (p.Ile824Thr)

Gene: ADAMTS17 (ADAM metallopeptidase with thrombospondin type 1 motif 17; minus strand). Cytogenetic location: 15q26.3.
Variant type: single nucleotide variant.
Coding change: c.2471T>C on transcript NM_139057.4 (MANE Select); coding-DNA position 2471, T replaced by C.
Protein change: p.Ile824Thr; replaces isoleucine 824 with threonine.
Molecular consequence: missense variant.
Genome position (GRCh38, 1-based): chr15:100,048,977, A>G on the plus strand (T>C on the coding strand, the complement: ADAMTS17 is on the minus strand). VCF-style: chr15-100048977-A-G. GRCh37 (hg19) VCF-style: chr15-100589182-A-G.
Other names: short protein forms I824T.
Identifiers: ClinVar variation 2081016 (VCV002081016.2), dbSNP rs2031929512, ClinGen allele CA393692737.

ClinVar aggregate classification (germline): Uncertain significance. Review status: criteria provided, multiple submitters, no conflicts (2 of 4 stars). 2 submissions from 2 submitters: Uncertain significance (2). Last evaluated 2022-02-25.

Conditions:
Inborn genetic diseases. Identifiers: MedGen C0950123, MeSH D030342.

Allele frequency attached by ClinVar (database versions not stated): TOPMed below 0.00001.
gnomAD v4.1: 4 of 1,614,170 alleles (0.00025%); no homozygotes.

Submissions (2):

Labcorp Genetics (formerly Invitae), Labcorp
Classification: Uncertain significance. Last evaluated: 2022-02-25. Review status: criteria provided, single submitter. Criteria: Invitae Variant Classification Sherloc (09022015). Collection method: clinical testing. Allele origin: germline.
Comment: This sequence change replaces isoleucine, which is neutral and non-polar, with threonine, which is neutral and polar, at codon 824 of the ADAMTS17 protein (p.Ile824Thr). This variant is not present in population databases (gnomAD no frequency). This variant has not been reported in the literature in individuals affected with ADAMTS17-related conditions. Algorithms developed to predict the effect of missense changes on protein structure and function are either unavailable or do not agree on the potential impact of this missense change (SIFT: "Not Available"; PolyPhen-2: "Benign"; Align-GVGD: "Not Available"). In summary, the available evidence is currently insufficient to determine the role of this variant in disease. Therefore, it has been classified as a Variant of Uncertain Significance.

Ambry Genetics
Classification: Uncertain significance for Inborn genetic diseases. Last evaluated: 2022-01-19. Review status: criteria provided, single submitter. Criteria: Ambry Variant Classification Scheme 2023. Collection method: clinical testing. Allele origin: germline.